The following is an entry in ClinVar:

NM_003227.4(TFR2):c.1300G>A (p.Asp434Asn)

Gene: TFR2 (transferrin receptor 2; minus strand). Cytogenetic location: 7q22.1.
Variant type: single nucleotide variant.
Coding change: c.1300G>A on transcript NM_003227.4 (MANE Select); coding-DNA position 1300, G replaced by A.
Protein change: p.Asp434Asn; replaces aspartic acid 434 with asparagine.
Molecular consequence: missense variant.
Genome position (GRCh38, 1-based): chr7:100,629,343, C>T on the plus strand (G>A on the coding strand, the complement: TFR2 is on the minus strand). VCF-style: chr7-100629343-C-T. GRCh37 (hg19) VCF-style: chr7-100226966-C-T.
Other names: c.787G>A, p.Asp263Asn (NM_001206855.3); short protein forms D263N, D434N.
Identifiers: ClinVar variation 663127 (VCV000663127.6), dbSNP rs887907860, ClinGen allele CA163279275.
Genomic context (GRCh38, chr7:100,629,343, plus strand): 5'-CCAGCTCCAGGAGTATAGCCGTCCCCACAGCGGATTTAGCTGCTCCTGGGCCCCATGCAT[C>T]CCTCTGGGCCCCGATGACAACGTAGTGATCTGGGGAGGGGATGTTTGGGACCCACTTCTG-3'
Protein context (NP_003218.2, residues 424-444): DHYVVIGAQR[Asp434Asn]AWGPGAAKSA

ClinVar aggregate classification (germline): Uncertain significance (1 of 4 stars; one submission).

Conditions:
Hereditary hemochromatosis (HFE). Identifiers: MedGen C0392514, MONDO:0006507. Disease mechanism: loss of function.

gnomAD v4.1: 52 of 1,614,072 alleles (0.0032%); highest among the groups gnomAD compares: Non-Finnish European, 0.0044%; no homozygotes.

Submission:

Labcorp Genetics (formerly Invitae), Labcorp
Classification: Uncertain significance for Hereditary hemochromatosis. Last evaluated: 2021-09-01. Review status: criteria provided, single submitter. Criteria: Invitae Variant Classification Sherloc (09022015). Collection method: clinical testing. Allele origin: germline.
Comment: This sequence change replaces aspartic acid with asparagine at codon 434 of the TFR2 protein (p.Asp434Asn). The aspartic acid residue is highly conserved and there is a small physicochemical difference between aspartic acid and asparagine. This variant is not present in population databases (ExAC no frequency). This missense change has been observed in individual(s) with hemochromatosis type 3 (PMID: 28276324). Algorithms developed to predict the effect of missense changes on protein structure and function are either unavailable or do not agree on the potential impact of this missense change (SIFT: "Deleterious"; PolyPhen-2: "Probably Damaging"; Align-GVGD: "Class C15"). In summary, the available evidence is currently insufficient to determine the role of this variant in disease. Therefore, it has been classified as a Variant of Uncertain Significance.

Literature cited by the submitters: PubMed 28276324.